The following is an entry in ClinVar:

ClinVar aggregate classification (germline): Uncertain significance (1 of 4 stars; one submission).

Conditions:
Deficiency of UDPglucose-hexose-1-phosphate uridylyltransferase. Also called: GALT deficiency; Galactosemia, classic; GALACTOSEMIA I; GALACTOSE-1-PHOSPHATE URIDYLYLTRANSFERASE DEFICIENCY; Transferase Deficiency Galactosemia. Identifiers: Orphanet 352, Orphanet 79239, MedGen C0268151, MONDO:0009258, OMIM 230400.

Submission:

3billion
Classification: Uncertain significance for Deficiency of UDPglucose-hexose-1-phosphate uridylyltransferase. Last evaluated: 2022-05-22. Review status: criteria provided, single submitter. Criteria: ACMG Guidelines, 2015. Collection method: clinical testing. Allele origin: germline. Affected: yes. Observed: 1 heterozygote.
Comment: The variant is not observed in the gnomAD v2.1.1 dataset. Missense changes are a common disease-causing mechanism. In silico tool predictions suggest damaging effect of the variant on gene or gene product (REVEL: 0.94; 3Cnet: 1.00). A different missense change at the same codon (p.Trp167Arg) has been reported to be associated with GALT related disorder (PMID: 10408771). However the evidence of pathogenicity is insufficient at this time. Therefore, this variant is classified as uncertain significanceaccording to the recommendation of ACMG/AMP guideline.

Literature cited by the submitters: PubMed 10408771.

NM_000155.4(GALT):c.499T>G (p.Trp167Gly)

Gene: GALT (galactose-1-phosphate uridylyltransferase; plus strand). Cytogenetic location: 9p13.3.
Variant type: single nucleotide variant.
Coding change: c.499T>G on transcript NM_000155.4 (MANE Select); coding-DNA position 499, T replaced by G.
Protein change: p.Trp167Gly; replaces tryptophan 167 with glycine.
Molecular consequence: missense variant.
Genome position (GRCh38, 1-based): chr9:34,647,953, T>G. VCF-style: chr9-34647953-T-G. GRCh37 (hg19) VCF-style: chr9-34647950-T-G.
Other names: c.172T>G, p.Trp58Gly (NM_001258332.2); short protein forms W167G, W58G.
Identifiers: ClinVar variation 1687522 (VCV001687522.1), dbSNP rs111033708, ClinGen allele CA373281157.
Genomic context (GRCh38, chr9:34,647,953, plus strand): 5'-ATCCGGGCTGTTGTTGATGCATGGGCCTCAGTCACAGAGGAGCTGGGTGCCCAGTACCCT[T>G]GGGTGCAGGTTTGTGAGGTCGCCCCTTCCCCTGGATGGGCAGGGAGGGGGTGATGAAGCT-3'
Protein context (NP_000146.2, residues 157-177): VTEELGAQYP[Trp167Gly]VQIFENKGAM